The following is an entry in ClinVar:

NM_002841.4(PTPRG):c.3766-12_3766-11insTTTTTTTTTTTTTTTTTTTTTT

Genes: PTPRG (protein tyrosine phosphatase receptor type G; plus strand), PTPRG-AS1 (PTPRG antisense RNA 1; minus strand). Cytogenetic location: 3p14.2.
Variant type: Insertion.
Coding change: c.3766-12_3766-11insTTTTTTTTTTTTTTTTTTTTTT on transcript NM_002841.4 (MANE Select); 12 bases into the intron before coding-DNA position 3766 through 11 bases into the intron before coding-DNA position 3766, TTTTTTTTTTTTTTTTTTTTTT inserted.
Molecular consequence: intron variant.
Genome position: GRCh38 VCF-style: chr3-62281538-C-CTTTTTTTTTTTTTTTTTTTTTT. GRCh37 (hg19) VCF-style: chr3-62267213-C-CTTTTTTTTTTTTTTTTTTTTTT.
Other names: c.3679-12_3679-11insTTTTTTTTTTTTTTTTTTTTTT (NM_001375471.1).
Identifiers: ClinVar variation 2653929 (VCV002653929.24), dbSNP rs60919586, ClinGen allele CA909097072.
Genomic context (GRCh38, chr3:62,281,538, plus strand): 5'-GGAAATGACAAAATCCGTATGCAAGAAATAGAAAACAAATCCTTGACAGAACTGCAGAGG[C>CTTTTTTTTTTTTTTTTTTTTTT]TTTTTTTTTTTTTGGATTCCAAAGGCAGAAGATGAGTTTGTGTACTGGCCAAGTCGAGAA-3'

ClinVar aggregate classification (germline): Likely benign (1 of 4 stars; one submission).

Submission:

CeGaT Center for Human Genetics Tuebingen
Classification: Likely benign. Last evaluated: 2023-03-01. Review status: criteria provided, single submitter. Criteria: CeGaT Center For Human Genetics Tuebingen Variant Classification Criteria Version 2. Collection method: clinical testing. Allele origin: germline. Affected: yes. Observed: 2 variant alleles.
Comment: PTPRG: BS2